The following is an entry in ClinVar:

ClinVar aggregate classification (germline): Uncertain significance (1 of 4 stars; one submission).

Submission:

Labcorp Genetics (formerly Invitae), Labcorp
Classification: Uncertain significance. Last evaluated: 2023-08-01. Review status: criteria provided, single submitter. Criteria: Invitae Variant Classification Sherloc (09022015). Collection method: clinical testing. Allele origin: unknown.
Comment: In summary, the available evidence is currently insufficient to determine the role of this variant in disease. Therefore, it has been classified as a Variant of Uncertain Significance. Experimental studies and prediction algorithms are not available or were not evaluated, and the functional significance of this variant is currently unknown. This variant has not been reported in the literature in individuals affected with CACNA1D-related conditions. This variant results in a copy number gain of the genomic region encompassing exon(s) 4-49 of the CACNA1D gene. This region includes the termination codon of the gene. This copy number gain extends beyond the assayed region for this gene and therefore may encompass additional genes. As the precise location of this event is unknown, it may be in tandem or it may be located elsewhere in the genome.

NC_000003.11:g.(?_53684786)_(53845433_?)dup

Gene: CACNA1D (calcium voltage-gated channel subunit alpha1 D; plus strand). Cytogenetic location: 3p21.1.
Variant type: Duplication.
Identifiers: ClinVar variation 3246958 (VCV003246958.1).